The following is an entry in ClinVar:

ClinVar aggregate classification (germline): Uncertain significance (1 of 4 stars; one submission).

Allele frequency attached by ClinVar (database versions not stated): gnomAD 0.00002; TOPMed 0.00002; ESP Exome Variant Server 0.00008.
gnomAD v4.1: 6 of 1,589,352 alleles (0.00038%); highest among the groups gnomAD compares: Non-Finnish European, 0.00052%; no homozygotes.

Submission:

Labcorp Genetics (formerly Invitae), Labcorp
Classification: Uncertain significance. Last evaluated: 2021-10-06. Review status: criteria provided, single submitter. Criteria: Invitae Variant Classification Sherloc (09022015). Collection method: clinical testing. Allele origin: germline.
Comment: In summary, the available evidence is currently insufficient to determine the role of this variant in disease. Therefore, it has been classified as a Variant of Uncertain Significance. Variants that disrupt the consensus splice site are a relatively common cause of aberrant splicing (PMID: 17576681, 9536098). Algorithms developed to predict the effect of sequence changes on RNA splicing suggest that this variant is not likely to affect RNA splicing. This variant has not been reported in the literature in individuals affected with MYO3A-related conditions. This variant is not present in population databases (ExAC no frequency). This sequence change falls in intron 27 of the MYO3A gene. It does not directly change the encoded amino acid sequence of the MYO3A protein. It affects a nucleotide within the consensus splice site of the intron.

Literature cited by the submitters: PubMed 17576681; PubMed 9536098.

NM_017433.5(MYO3A):c.3111+5T>C

Gene: MYO3A (myosin IIIA; plus strand). Cytogenetic location: 10p12.1.
Variant type: single nucleotide variant.
Coding change: c.3111+5T>C on transcript NM_017433.5 (MANE Select); 5 bases into the intron after coding-DNA position 3111, T replaced by C.
Molecular consequence: intron variant.
Genome position (GRCh38, 1-based): chr10:26,166,183, T>C. VCF-style: chr10-26166183-T-C. GRCh37 (hg19) VCF-style: chr10-26455112-T-C.
Identifiers: ClinVar variation 1488620 (VCV001488620.6), dbSNP rs375524174, ClinGen allele CA204392951.